The following is an entry in ClinVar:

NM_001851.6(COL9A1):c.1437C>T (p.Asp479=)

Gene: COL9A1 (collagen type IX alpha 1 chain; minus strand). Cytogenetic location: 6q13.
Variant type: single nucleotide variant.
Coding change: c.1437C>T on transcript NM_001851.6 (MANE Select); coding-DNA position 1437, C replaced by T.
Protein change: p.Asp479=; no amino-acid change (aspartic acid 479 retained).
Molecular consequence: synonymous variant. On other transcripts: non-coding transcript variant (1).
Genome position (GRCh38, 1-based): chr6:70,260,669, G>A on the plus strand (C>T on the coding strand, the complement: COL9A1 is on the minus strand). VCF-style: chr6-70260669-G-A. GRCh37 (hg19) VCF-style: chr6-70970372-G-A.
Other names: c.708C>T, p.Asp236= (NM_001377289.1, NM_001377290.1, NM_078485.4).
Identifiers: ClinVar variation 5040726 (VCV005040726.1).
Genomic context (GRCh38, chr6:70,260,669, plus strand): 5'-AAATATTTAACACATTTTGGTATTATATTATTGTCATCACCATCTTACTTTTTCCCCTTT[G>A]TCCCCAACTATGCCGGTGATGCCTCGCAAACCCTGGGCTCCCTGGAAATGTGAAAAAGAG-3'
Protein context (NP_001842.3, residues 469-489): GLRGITGIVG[Asp479=]KGEKGARGLD

ClinVar aggregate classification (germline): Likely benign (1 of 4 stars; one submission).

Submission:

CeGaT Center for Human Genetics Tuebingen
Classification: Likely benign. Last evaluated: 2026-08-01. Review status: criteria provided, single submitter. Criteria: CeGaT Center For Human Genetics Tuebingen Variant Classification Criteria Version 2. Collection method: clinical testing. Allele origin: germline. Affected: yes. Observed: 1 variant allele.
Comment: COL9A1: PM2:Supporting, BP4, BP7